The following is an entry in ClinVar:

NM_019892.6(INPP5E):c.208_214dup (p.Pro72fs)

Gene: INPP5E (inositol polyphosphate-5-phosphatase E; minus strand). Cytogenetic location: 9q34.3.
Variant type: Duplication.
Coding change: c.208_214dup on transcript NM_019892.6 (MANE Select); coding-DNA positions 208 to 214, 7 bases duplicated (ATCGCCC; older notation c.208_214dupATCGCCC).
Protein change: p.Pro72fs; shifts the reading frame from proline 72.
Molecular consequence: frameshift variant.
Genome position (GRCh38, 1-based): chr9:136,439,206-136,439,212, GGGCGAT duplicated on the plus strand (ATCGCCC on the coding strand, the reverse complement: INPP5E is on the minus strand); duplicating any 7 consecutive bases within chr9:136,439,206-136,439,215 gives the same sequence; the c. name uses the placement nearest the transcript's 3' end. VCF-style (leftmost placement, unchanged base first): chr9-136439205-G-GGGGCGAT. GRCh37 (hg19) VCF-style: chr9-139333657-G-GGGGCGAT.
Other names: c.208_214dup, p.Pro72fs (NM_001318502.2); c.208_214dup7 (NM_019892.5); short protein forms P72fs.
Identifiers: ClinVar variation 3596798 (VCV003596798.2).

ClinVar aggregate classification (germline): Likely pathogenic. Review status: criteria provided, multiple submitters, no conflicts (2 of 4 stars). 2 submissions from 2 submitters: Likely pathogenic (2). Last evaluated 2025-09-05.

Conditions:
Joubert syndrome 1 (JBTS1). Also called: Cerebellooculorenal syndrome 1; CEREBELLOPARENCHYMAL DISORDER IV. Identifiers: MedGen C4551568, MONDO:0008944, OMIM 213300.
MORM syndrome (MORMS). Identifiers: Orphanet 75858, MedGen C1857802, MONDO:0012423, OMIM 610156.
INPP5E-related disorder. Also called: INPP5E-related condition.

Submissions (2):

PreventionGenetics, part of Exact Sciences
Classification: Likely pathogenic for INPP5E-related condition. Last evaluated: 2025-09-05. Review status: criteria provided, single submitter. Criteria: ACMG Guidelines, 2015. Collection method: clinical testing. Allele origin: germline.
Comment: The INPP5E c.208_214dup7 variant is predicted to result in a frameshift and premature protein termination (p.Pro72Hisfs*81). To our knowledge, this variant has not been reported in the literature or in a large population database (gnomAD), indicating this variant is rare. This variant is interpreted as likely pathogenic in ClinVar (Variation ID: 3596798). Frameshift variants in INPP5E are expected to be pathogenic. This variant is interpreted as likely pathogenic.

Fulgent Genetics
Classification: Likely pathogenic for Joubert syndrome 1; MORM syndrome. Last evaluated: 2024-05-01. Review status: criteria provided, single submitter. Criteria: ACMG Guidelines, 2015. Collection method: clinical testing. Allele origin: germline.